The following is an entry in ClinVar:

NM_004836.7(EIF2AK3):c.128C>A (p.Ala43Glu)

Gene: EIF2AK3 (eukaryotic translation initiation factor 2 alpha kinase 3; minus strand). Cytogenetic location: 2p11.2.
Variant type: single nucleotide variant.
Coding change: c.128C>A on transcript NM_004836.7 (MANE Select); coding-DNA position 128, C replaced by A.
Protein change: p.Ala43Glu; replaces alanine 43 with glutamic acid.
Molecular consequence: missense variant.
Genome position (GRCh38, 1-based): chr2:88,627,147, G>T on the plus strand (C>A on the coding strand, the complement: EIF2AK3 is on the minus strand). VCF-style: chr2-88627147-G-T. GRCh37 (hg19) VCF-style: chr2-88926665-G-T.
Other names: short protein forms A43E.
Identifiers: ClinVar variation 1485572 (VCV001485572.3), dbSNP rs2103992698, ClinGen allele CA347763424.

ClinVar aggregate classification (germline): Uncertain significance (1 of 4 stars; one submission).

Allele frequency attached by ClinVar (database versions not stated): gnomAD exomes below 0.00001.
gnomAD v4.1: 5 of 1,437,942 alleles (0.00035%); highest among the groups gnomAD compares: Non-Finnish European, 0.00036%; no homozygotes.

Submission:

Labcorp Genetics (formerly Invitae), Labcorp
Classification: Uncertain significance. Last evaluated: 2022-08-23. Review status: criteria provided, single submitter. Criteria: Invitae Variant Classification Sherloc (09022015). Collection method: clinical testing. Allele origin: germline.
Comment: This sequence change replaces alanine, which is neutral and non-polar, with glutamic acid, which is acidic and polar, at codon 43 of the EIF2AK3 protein (p.Ala43Glu). This variant is not present in population databases (gnomAD no frequency). This variant has not been reported in the literature in individuals affected with EIF2AK3-related conditions. ClinVar contains an entry for this variant (Variation ID: 1485572). Algorithms developed to predict the effect of missense changes on protein structure and function are either unavailable or do not agree on the potential impact of this missense change (SIFT: "Tolerated"; PolyPhen-2: "Not Available"; Align-GVGD: "Class C0"). In summary, the available evidence is currently insufficient to determine the role of this variant in disease. Therefore, it has been classified as a Variant of Uncertain Significance.